The following is an entry in ClinVar:

NM_001012339.3(DNAJC21):c.1525_1526delinsAA (p.Ala509Lys)

Gene: DNAJC21 (DnaJ heat shock protein family (Hsp40) member C21; plus strand). Cytogenetic location: 5p13.2.
Variant type: Indel.
Coding change: c.1525_1526delinsAA on transcript NM_001012339.3 (MANE Select); coding-DNA positions 1525 to 1526, GC replaced by AA.
Protein change: p.Ala509Lys; replaces alanine 509 with lysine.
Molecular consequence: missense variant.
Genome position (GRCh38, 1-based): chr5:34,954,643-34,954,644, GC replaced by AA. VCF-style: chr5-34954643-GC-AA. GRCh37 (hg19) VCF-style: chr5-34954748-GC-AA.
Other names: c.1564_1565delinsAA, p.Ala522Lys (NM_001348420.2); c.1660_1661delinsAA, p.Ala554Lys (NM_194283.4); short protein forms A509K, A522K, A554K.
Identifiers: ClinVar variation 1443446 (VCV001443446.4), dbSNP rs2112109298, ClinGen allele CA2573139567.

ClinVar aggregate classification (germline): Uncertain significance (1 of 4 stars; one submission).

Submission:

Labcorp Genetics (formerly Invitae), Labcorp
Classification: Uncertain significance. Last evaluated: 2021-11-04. Review status: criteria provided, single submitter. Criteria: Invitae Variant Classification Sherloc (09022015). Collection method: clinical testing. Allele origin: germline.
Comment: In summary, the available evidence is currently insufficient to determine the role of this variant in disease. Therefore, it has been classified as a Variant of Uncertain Significance. Algorithms developed to predict the effect of missense changes on protein structure and function are either unavailable or do not agree on the potential impact of this missense change (SIFT: "Not Available"; PolyPhen-2: "Probably Damaging"; Align-GVGD: "Not Available"). This variant has not been reported in the literature in individuals affected with DNAJC21-related conditions. Information on the frequency of this variant in the gnomAD database is not available, as this variant may be reported differently in the database. This sequence change replaces alanine, which is neutral and non-polar, with lysine, which is basic and polar, at codon 509 of the DNAJC21 protein (p.Ala509Lys).